The following is an entry in ClinVar:

ClinVar aggregate classification (germline): Benign. Review status: criteria provided, multiple submitters, no conflicts (2 of 4 stars). 2 submissions from 2 submitters: Benign (2). Last evaluated 2018-06-16.

Allele frequency attached by ClinVar (database versions not stated): gnomAD 0.03700 and 0.03880; ESP Exome Variant Server 0.03706; TOPMed 0.03746; 1000 Genomes Project 30x 0.04685; 1000 Genomes Project 0.04832; gnomAD exomes 0.04898 and 0.05406; ExAC 0.05190.
gnomAD v4.1: 81,635 of 1,553,286 alleles (5.3%); highest among the groups gnomAD compares: South Asian, 10%; 2,547 homozygotes.

Submissions (11):

GeneDx
Classification: Benign. Last evaluated: 2018-06-16. Review status: criteria provided, single submitter. Criteria: GeneDx Variant Classification (06012015). Collection method: clinical testing. Allele origin: germline. Affected: yes.
Comment: This variant is considered likely benign or benign based on one or more of the following criteria: it is a conservative change, it occurs at a poorly conserved position in the protein, it is predicted to be benign by multiple in silico algorithms, and/or has population frequency not consistent with disease.

Breakthrough Genomics
Classification: Benign. Review status: criteria provided, single submitter. Criteria: ACMG Guidelines, 2015. Collection method: not provided. Allele origin: germline. Inheritance: Autosomal dominant inheritance. Affected: yes.

Dr. Peter K. Rogan Lab, Western University
No classification provided (evidence only). Condition: Acute myeloid leukemia. Review status: no classification provided. Collection method: in vitro. Allele origin: not applicable. Functional consequence: retained intron. Not counted in ClinVar's aggregate classification.

Dr. Peter K. Rogan Lab, Western University
No classification provided (evidence only). Condition: Acute myeloid leukemia. Review status: no classification provided. Collection method: in vitro. Allele origin: not applicable. Functional consequence: retained intron. Not counted in ClinVar's aggregate classification.

Dr. Peter K. Rogan Lab, Western University
No classification provided (evidence only). Condition: Acute myeloid leukemia. Review status: no classification provided. Collection method: in vitro. Allele origin: not applicable. Functional consequence: retained intron. Not counted in ClinVar's aggregate classification.

Dr. Peter K. Rogan Lab, Western University
No classification provided (evidence only). Condition: Uterine corpus endometrial carcinoma. Review status: no classification provided. Collection method: in vitro. Allele origin: not applicable. Functional consequence: retained intron. Not counted in ClinVar's aggregate classification.

Dr. Peter K. Rogan Lab, Western University
No classification provided (evidence only). Condition: Uterine corpus endometrial carcinoma. Review status: no classification provided. Collection method: in vitro. Allele origin: not applicable. Functional consequence: retained intron. Not counted in ClinVar's aggregate classification.

Dr. Peter K. Rogan Lab, Western University
No classification provided (evidence only). Condition: Uterine corpus endometrial carcinoma. Review status: no classification provided. Collection method: in vitro. Allele origin: not applicable. Functional consequence: retained intron. Not counted in ClinVar's aggregate classification.

Dr. Peter K. Rogan Lab, Western University
No classification provided (evidence only). Condition: Gastric cancer. Review status: no classification provided. Collection method: in vitro. Allele origin: not applicable. Functional consequence: retained intron. Not counted in ClinVar's aggregate classification.

Dr. Peter K. Rogan Lab, Western University
No classification provided (evidence only). Condition: Gastric cancer. Review status: no classification provided. Collection method: in vitro. Allele origin: not applicable. Functional consequence: retained intron. Not counted in ClinVar's aggregate classification.

Dr. Peter K. Rogan Lab, Western University
No classification provided (evidence only). Condition: Uterine carcinosarcoma. Review status: no classification provided. Collection method: in vitro. Allele origin: not applicable. Functional consequence: retained intron. Not counted in ClinVar's aggregate classification.

NM_001003800.2(BICD2):c.1062+46C>G

Gene: BICD2 (BICD cargo adaptor 2; minus strand). Cytogenetic location: 9q22.31.
Variant type: single nucleotide variant.
Coding change: c.1062+46C>G on transcript NM_001003800.2 (MANE Select); 46 bases into the intron after coding-DNA position 1062, C replaced by G.
Molecular consequence: intron variant.
Genome position (GRCh38, 1-based): chr9:92,720,254, G>C on the plus strand (C>G on the coding strand, the complement: BICD2 is on the minus strand). VCF-style: chr9-92720254-G-C. GRCh37 (hg19) VCF-style: chr9-95482536-G-C.
Other names: NC_000009.11:g.95482536G>C; c.1062+46C>G (NM_015250.4).
Identifiers: ClinVar variation 670371 (VCV000670371.3), dbSNP rs41273374, ClinGen allele CA5126657.
Genomic context (GRCh38, chr9:92,720,254, plus strand): 5'-GGAAAAGGGAAAGTTAACATCAGCAGAGTGTCAGGTAAGCACTGCTCGGGGAGCCCTGCA[G>C]ACCTGGAGTGGGGACAGCGTGCCGAAGGCCCCACTGCCTGCTCACCTGCATCAGCTGCTG-3'